The following is an entry in ClinVar:

ClinVar aggregate classification (germline): Uncertain significance. Review status: criteria provided, multiple submitters, no conflicts (2 of 4 stars). 2 submissions from 2 submitters: Uncertain significance (2). Last evaluated 2025-04-11.

Conditions:
Acrocallosal syndrome (ACLS). Also called: HALLUX DUPLICATION, POSTAXIAL POLYDACTYLY, AND ABSENCE OF CORPUS CALLOSUM; Schinzel syndrome 1; Absence of corpus callosum with unusual facial appearance, mental deficiency, duplication of the halluces and polydactyly. Identifiers: Orphanet 36, MedGen C0796147, MONDO:0008708, OMIM 200990.
Inborn genetic diseases. Identifiers: MedGen C0950123, MeSH D030342.

Allele frequency attached by ClinVar (database versions not stated): TOPMed 0.00001; gnomAD 0.00002.
gnomAD v4.1: 17 of 1,566,336 alleles (0.0011%); highest among the groups gnomAD compares: East Asian, 0.036%; 1 homozygote.

Submissions (2):

Ambry Genetics
Classification: Uncertain significance for Inborn genetic diseases. Last evaluated: 2025-04-11. Review status: criteria provided, single submitter. Criteria: Ambry Variant Classification Scheme 2023. Collection method: clinical testing. Allele origin: germline.

Labcorp Genetics (formerly Invitae), Labcorp
Classification: Uncertain significance for Acrocallosal syndrome. Last evaluated: 2022-11-22. Review status: criteria provided, single submitter. Criteria: Invitae Variant Classification Sherloc (09022015). Collection method: clinical testing. Allele origin: germline.
Comment: This variant is present in population databases (rs769931246, gnomAD 0.05%). This sequence change replaces aspartic acid, which is acidic and polar, with glycine, which is neutral and non-polar, at codon 1008 of the KIF7 protein (p.Asp1008Gly). This variant has not been reported in the literature in individuals affected with KIF7-related conditions. In summary, the available evidence is currently insufficient to determine the role of this variant in disease. Therefore, it has been classified as a Variant of Uncertain Significance. Advanced modeling of protein sequence and biophysical properties (such as structural, functional, and spatial information, amino acid conservation, physicochemical variation, residue mobility, and thermodynamic stability) performed at Invitae indicates that this missense variant is not expected to disrupt KIF7 protein function. ClinVar contains an entry for this variant (Variation ID: 1436657).

NM_198525.3(KIF7):c.3023A>G (p.Asp1008Gly)

Gene: KIF7 (kinesin family member 7; minus strand). Cytogenetic location: 15q26.1.
Variant type: single nucleotide variant.
Coding change: c.3023A>G on transcript NM_198525.3 (MANE Select); coding-DNA position 3023, A replaced by G.
Protein change: p.Asp1008Gly; replaces aspartic acid 1008 with glycine.
Molecular consequence: missense variant.
Genome position (GRCh38, 1-based): chr15:89,631,583, T>C on the plus strand (A>G on the coding strand, the complement: KIF7 is on the minus strand). VCF-style: chr15-89631583-T-C. GRCh37 (hg19) VCF-style: chr15-90174814-T-C.
Other names: c.3023A>G (NM_198525.2); short protein forms D1008G.
Identifiers: ClinVar variation 1436657 (VCV001436657.5), dbSNP rs769931246, ClinGen allele CA7727856.